The following is an entry in ClinVar:

ClinVar aggregate classification (germline): Likely benign (1 of 4 stars; one submission).

Conditions:
FAT1-related disorder. Also called: FAT1-related condition.

gnomAD v4.1: 10 of 1,613,858 alleles (0.00062%); highest among the groups gnomAD compares: Admixed American, 0.0067%; no homozygotes.

Submission:

PreventionGenetics, part of Exact Sciences
Classification: Likely benign for FAT1-related condition. Last evaluated: 2025-12-01. Review status: criteria provided, single submitter. Criteria: ACMG Guidelines, 2015. Collection method: clinical testing. Allele origin: germline.
Comment: This variant is classified as likely benign based on ACMG/AMP sequence variant interpretation guidelines (Richards et al. 2015 PMID: 25741868, with internal and published modifications).

NM_005245.4(FAT1):c.7845C>T (p.Val2615=)

Gene: FAT1 (FAT atypical cadherin 1; minus strand). Cytogenetic location: 4q35.2.
Variant type: single nucleotide variant.
Coding change: c.7845C>T on transcript NM_005245.4 (MANE Select); coding-DNA position 7845, C replaced by T.
Protein change: p.Val2615=; no amino-acid change (valine 2615 retained).
Molecular consequence: synonymous variant.
Genome position (GRCh38, 1-based): chr4:186,618,741, G>A on the plus strand (C>T on the coding strand, the complement: FAT1 is on the minus strand). VCF-style: chr4-186618741-G-A. GRCh37 (hg19) VCF-style: chr4-187539895-G-A.
Other names: c.7845C>T, p.Val2615= (NM_001440455.1, NM_001440456.1, NM_001440457.1).
Identifiers: ClinVar variation 4990007 (VCV004990007.1).